The following is an entry in ClinVar:

NM_000059.4(BRCA2):c.2282A>G (p.Tyr761Cys)

Gene: BRCA2 (BRCA2 DNA repair associated; plus strand). Cytogenetic location: 13q13.1.
Variant type: single nucleotide variant.
Coding change: c.2282A>G on transcript NM_000059.4 (MANE Select); coding-DNA position 2282, A replaced by G.
Protein change: p.Tyr761Cys; replaces tyrosine 761 with cysteine.
Molecular consequence: missense variant.
Genome position (GRCh38, 1-based): chr13:32,336,637, A>G. VCF-style: chr13-32336637-A-G. GRCh37 (hg19) VCF-style: chr13-32910774-A-G.
Other names: short protein forms Y761C.
Identifiers: ClinVar variation 481526 (VCV000481526.21), dbSNP rs879255443, ClinGen allele CA387771143.

ClinVar aggregate classification (germline): Conflicting classifications of pathogenicity. Review status: criteria provided, conflicting classifications (1 of 4 stars). 7 submissions from 7 submitters: Uncertain significance (4); Likely benign (2). 1 of the submissions does not count toward it. Last evaluated 2025-03-02.

Conditions:
Hereditary cancer-predisposing syndrome. Also called: Hereditary neoplastic syndrome; Neoplastic Syndromes, Hereditary; Tumor predisposition; Hereditary Cancer Syndrome. Identifiers: Orphanet 140162, MedGen C0027672, MeSH D009386, MONDO:0015356.
Hereditary breast ovarian cancer syndrome. Also called: Hereditary breast and ovarian cancer syndrome (HBOC); Breast and ovarian cancer; Hereditary breast and ovarian cancer syndrome; Hereditary breast and ovarian cancer; Hereditary breast and/or ovarian cancer syndrome; BRCA1- and BRCA2-Associated Hereditary Breast and Ovarian Cancer. Identifiers: Orphanet 145, MedGen C0677776, MeSH D061325, MONDO:0003582. Disease mechanism: loss of function.
Breast-ovarian cancer, familial, susceptibility to, 2 (BROVCA2). Also called: BRCA2 Hereditary Breast and Ovarian Cancer. Identifiers: Orphanet 145, MedGen C2675520, MONDO:0012933, OMIM 612555. Disease mechanism: loss of function.

Allele frequency attached by ClinVar (database versions not stated): gnomAD exomes below 0.00001.
gnomAD v4.1: 4 of 1,614,110 alleles (0.00025%); highest among the groups gnomAD compares: South Asian, 0.0011%; no homozygotes.

Submissions (7):

Ambry Genetics
Classification: Likely benign for Hereditary cancer-predisposing syndrome. Last evaluated: 2025-03-02. Review status: criteria provided, single submitter. Criteria: Ambry Variant Classification Scheme 2023. Collection method: clinical testing. Allele origin: germline.

Labcorp Genetics (formerly Invitae), Labcorp
Classification: Uncertain significance for Hereditary breast ovarian cancer syndrome. Last evaluated: 2024-12-03. Review status: criteria provided, single submitter. Criteria: Invitae Variant Classification Sherloc (09022015). Collection method: clinical testing. Allele origin: germline.
Comment: This sequence change replaces tyrosine, which is neutral and polar, with cysteine, which is neutral and slightly polar, at codon 761 of the BRCA2 protein (p.Tyr761Cys). This variant is not present in population databases (gnomAD no frequency). This variant has not been reported in the literature in individuals affected with BRCA2-related conditions. ClinVar contains an entry for this variant (Variation ID: 481526). Invitae Evidence Modeling of protein sequence and biophysical properties (such as structural, functional, and spatial information, amino acid conservation, physicochemical variation, residue mobility, and thermodynamic stability) indicates that this missense variant is not expected to disrupt BRCA2 protein function with a negative predictive value of 95%. In summary, the available evidence is currently insufficient to determine the role of this variant in disease. Therefore, it has been classified as a Variant of Uncertain Significance.

University of Washington Department of Laboratory Medicine, University of Washington
Classification: Likely benign for Hereditary cancer-predisposing syndrome. Last evaluated: 2023-03-23. Review status: criteria provided, single submitter. Criteria: Dines et al. (Genet Med. 2020). Collection method: curation. Allele origin: germline.
Comment: Missense variant in a coldspot region where missense variants are very unlikely to be pathogenic (PMID:31911673).

BRCA2 exon 11 coldspot. Reclassification based on statistical prior probability.

GeneDx
Classification: Uncertain significance. Last evaluated: 2022-07-22. Review status: criteria provided, single submitter. Criteria: GeneDx Variant Classification Process June 2021. Collection method: clinical testing. Allele origin: germline. Affected: yes.
Comment: Not observed at significant frequency in large population cohorts (gnomAD); In silico analysis supports that this missense variant has a deleterious effect on protein structure/function; Has not been previously published as pathogenic or benign to our knowledge; Also known as 2510A>G

Quest Diagnostics Nichols Institute San Juan Capistrano
Classification: Uncertain significance. Last evaluated: 2020-09-30. Review status: criteria provided, single submitter. Criteria: Quest Diagnostics criteria. Collection method: clinical testing. Allele origin: unknown.

Color Diagnostics, LLC DBA Color Health
Classification: Uncertain significance for Hereditary cancer-predisposing syndrome. Last evaluated: 2019-06-20. Review status: criteria provided, single submitter. Criteria: ACMG Guidelines, 2015. Collection method: clinical testing. Allele origin: germline.

BRCAlab, Lund University
Classification: Uncertain significance for Breast-ovarian cancer, familial, susceptibility to, 2. Last evaluated: 2020-03-02. Review status: no assertion criteria provided. Collection method: clinical testing. Allele origin: germline. Affected: yes. Not counted in ClinVar's aggregate classification.